The following is an entry in ClinVar:

ClinVar aggregate classification (germline): Uncertain significance (1 of 4 stars; one submission).

Submission:

CeGaT Center for Human Genetics Tuebingen
Classification: Uncertain significance. Last evaluated: 2026-03-01. Review status: criteria provided, single submitter. Criteria: CeGaT Center For Human Genetics Tuebingen Variant Classification Criteria Version 2. Collection method: clinical testing. Allele origin: germline. Affected: yes. Observed: 1 variant allele.
Comment: KMT2C: PM2, BP4

NM_170606.3(KMT2C):c.3842-5G>A

Gene: KMT2C (lysine methyltransferase 2C; minus strand). Cytogenetic location: 7q36.1.
Variant type: single nucleotide variant.
Coding change: c.3842-5G>A on transcript NM_170606.3 (MANE Select); 5 bases into the intron before coding-DNA position 3842, G replaced by A.
Molecular consequence: intron variant.
Genome position (GRCh38, 1-based): chr7:152,205,230, C>T on the plus strand (G>A on the coding strand, the complement: KMT2C is on the minus strand). VCF-style: chr7-152205230-C-T. GRCh37 (hg19) VCF-style: chr7-151902315-C-T.
Identifiers: ClinVar variation 4820866 (VCV004820866.4).